The following is an entry in ClinVar:

ClinVar aggregate classification (germline): Uncertain significance. Review status: criteria provided, multiple submitters, no conflicts (2 of 4 stars). 2 submissions from 2 submitters: Uncertain significance (2). Last evaluated 2026-01-31.

Conditions:
RYR1-related disorder. Also called: RYR1-related disorders; RYR1-related condition. Identifiers: MedGen CN239331.

Allele frequency attached by ClinVar (database versions not stated): TOPMed below 0.00001.

Submissions (2):

GeneDx
Classification: Uncertain significance. Last evaluated: 2026-01-31. Review status: criteria provided, single submitter. Criteria: GeneDx Variant Classification Process June 2021. Collection method: clinical testing. Allele origin: germline.
Comment: Not observed at significant frequency in large population cohorts (gnomAD); In silico analysis supports that this missense variant has a deleterious effect on protein structure/function; Has not been previously published as pathogenic or benign to our knowledge

Labcorp Genetics (formerly Invitae), Labcorp
Classification: Uncertain significance for RYR1-related disorder. Last evaluated: 2025-05-05. Review status: criteria provided, single submitter. Criteria: Invitae Variant Classification Sherloc (09022015). Collection method: clinical testing. Allele origin: germline.
Comment: This sequence change replaces proline, which is neutral and non-polar, with serine, which is neutral and polar, at codon 2528 of the RYR1 protein (p.Pro2528Ser). This variant is not present in population databases (gnomAD no frequency). This variant has not been reported in the literature in individuals affected with RYR1-related conditions. ClinVar contains an entry for this variant (Variation ID: 1432420). Invitae Evidence Modeling of protein sequence and biophysical properties (such as structural, functional, and spatial information, amino acid conservation, physicochemical variation, residue mobility, and thermodynamic stability) indicates that this missense variant is not expected to disrupt RYR1 protein function with a negative predictive value of 80%. In summary, the available evidence is currently insufficient to determine the role of this variant in disease. Therefore, it has been classified as a Variant of Uncertain Significance.

NM_000540.3(RYR1):c.7582C>T (p.Pro2528Ser)

Gene: RYR1 (ryanodine receptor 1; plus strand). Cytogenetic location: 19q13.2.
Variant type: single nucleotide variant.
Coding change: c.7582C>T on transcript NM_000540.3 (MANE Select); coding-DNA position 7582, C replaced by T.
Protein change: p.Pro2528Ser; replaces proline 2528 with serine.
Molecular consequence: missense variant.
Genome position (GRCh38, 1-based): chr19:38,500,958, C>T. VCF-style: chr19-38500958-C-T. GRCh37 (hg19) VCF-style: chr19-38991598-C-T.
Other names: c.7582C>T (NM_000540.2); c.7582C>T, p.Pro2528Ser (NM_001042723.2); short protein forms P2528S.
Identifiers: ClinVar variation 1432420 (VCV001432420.7), dbSNP rs1970088268, ClinGen allele CA405670532.